The following is an entry in ClinVar:

ClinVar aggregate classification (germline): Uncertain significance. Review status: criteria provided, multiple submitters, no conflicts (2 of 4 stars). 2 submissions from 2 submitters: Uncertain significance (2). Last evaluated 2025-10-03.

Conditions:
Cardiovascular phenotype. Identifiers: MedGen CN230736.

Allele frequency attached by ClinVar (database versions not stated): ExAC 0.00003; 1000 Genomes Project 30x 0.00031.
gnomAD v4.1: 15 of 1,604,888 alleles (0.00093%); highest among the groups gnomAD compares: South Asian, 0.016%; no homozygotes.

Submissions (2):

Ambry Genetics
Classification: Uncertain significance for Cardiovascular phenotype. Last evaluated: 2025-10-03. Review status: criteria provided, single submitter. Criteria: Ambry Variant Classification Scheme 2023. Collection method: clinical testing. Allele origin: germline.

GeneDx
Classification: Uncertain significance. Last evaluated: 2019-05-31. Review status: criteria provided, single submitter. Criteria: GeneDx Variant Classification Process June 2021. Collection method: clinical testing. Allele origin: germline. Affected: yes.
Comment: Has not been previously published as pathogenic or benign to our knowledge; Reported in ClinVar but additional evidence is not available (ClinVar Variant ID# 45543; Landrum et al., 2016); In silico analysis, which includes splice predictors and evolutionary conservation, supports that this variant does not alter protein structure/function

NM_007078.3(LDB3):c.343G>C (p.Gly115Arg)

Gene: LDB3 (LIM domain binding 3; plus strand). Cytogenetic location: 10q23.2.
Variant type: single nucleotide variant.
Coding change: c.343G>C on transcript NM_007078.3 (MANE Select); coding-DNA position 343, G replaced by C.
Protein change: p.Gly115Arg; replaces glycine 115 with arginine.
Molecular consequence: missense variant. On other transcripts: intron variant (5).
Genome position (GRCh38, 1-based): chr10:86,681,457, G>C. VCF-style: chr10-86681457-G-C. GRCh37 (hg19) VCF-style: chr10-88441214-G-C.
Other names: c.343G>C, p.Gly115Arg (NM_001080115.2, NM_001171610.2, NM_001171611.2 and 3 more transcripts); c.321+1300G>C (NM_001368068.1, NM_001368066.1, NM_001080114.2 and 2 more transcripts); c.343G>C (NM_007078.2); short protein forms G115R.
Identifiers: ClinVar variation 1302045 (VCV001302045.3), dbSNP rs397517222, ClinGen allele CA5584680.